The following is an entry in ClinVar:

NM_000507.4(FBP1):c.651C>T (p.Ala217=)

Gene: FBP1 (fructose-bisphosphatase 1; minus strand). Cytogenetic location: 9q22.32.
Variant type: single nucleotide variant.
Coding change: c.651C>T on transcript NM_000507.4 (MANE Select); coding-DNA position 651, C replaced by T.
Protein change: p.Ala217=; no amino-acid change (alanine 217 retained).
Molecular consequence: synonymous variant.
Genome position (GRCh38, 1-based): chr9:94,606,869, G>A on the plus strand (C>T on the coding strand, the complement: FBP1 is on the minus strand). VCF-style: chr9-94606869-G-A. GRCh37 (hg19) VCF-style: chr9-97369151-G-A.
Other names: p.Ala217=; c.651C>T, p.Ala217= (NM_001127628.2).
Identifiers: ClinVar variation 256322 (VCV000256322.24), dbSNP rs1042144, ClinGen allele CA5136173.

ClinVar aggregate classification (germline): Benign/Likely benign. Review status: criteria provided, multiple submitters, no conflicts (2 of 4 stars). 10 submissions from 10 submitters: Benign (7); Likely benign (1). 2 of the submissions do not count toward it. Last evaluated 2026-02-04.

Conditions:
Fructose-biphosphatase deficiency (FBP1D). Also called: Fructose-1,6-Bisphosphatase 1 Deficiency; Fructose 1,6 Bisphosphatase Deficiency; Fructose-1,6-Diphosphatase Deficiency. Identifiers: Orphanet 348, MedGen C0016756, MONDO:0009251, OMIM 229700.

Allele frequency attached by ClinVar (database versions not stated): TOPMed 0.29950; gnomAD 0.30883 and 0.31393; ESP Exome Variant Server 0.31147; gnomAD exomes 0.32888 and 0.33837; ExAC 0.33393; 1000 Genomes Project 30x 0.34369; 1000 Genomes Project 0.35244.
gnomAD v4.1: 541,181 of 1,613,350 alleles (34%); highest among the groups gnomAD compares: East Asian, 56%; 93,705 homozygotes.

Submissions (10):

Labcorp Genetics (formerly Invitae), Labcorp
Classification: Benign for Fructose-biphosphatase deficiency. Last evaluated: 2026-02-04. Review status: criteria provided, single submitter. Criteria: Invitae Variant Classification Sherloc (09022015). Collection method: clinical testing. Allele origin: germline.

Blueprint Genetics
Classification: Likely benign. Last evaluated: 2024-11-27. Review status: criteria provided, single submitter. Criteria: ACMG Guidelines, 2015. Collection method: clinical testing. Allele origin: germline.

Mayo Clinic Laboratories, Mayo Clinic
Classification: Benign. Last evaluated: 2022-05-05. Review status: criteria provided, single submitter. Criteria: ACMG Guidelines, 2015. Collection method: clinical testing. Allele origin: germline. Observed: 512 variant alleles.

Genome-Nilou Lab
Classification: Benign for Fructose-biphosphatase deficiency. Last evaluated: 2021-08-10. Review status: criteria provided, single submitter. Criteria: ACMG Guidelines, 2015. Collection method: clinical testing. Allele origin: germline. Affected: no.

Illumina Laboratory Services, Illumina
Classification: Benign for Fructose-biphosphatase deficiency. Last evaluated: 2018-01-13. Review status: criteria provided, single submitter. Criteria: ICSL Variant Classification Criteria 13 December 2019. Collection method: clinical testing. Allele origin: germline.
Comment: This variant was observed in the ICSL laboratory as part of a predisposition screen in an ostensibly healthy population. It had not been previously curated by ICSL or reported in the Human Gene Mutation Database (HGMD: prior to June 1st, 2018), and was therefore a candidate for classification through an automated scoring system. Utilizing variant allele frequency, disease prevalence and penetrance estimates, and inheritance mode, an automated score was calculated to assess if this variant is too frequent to cause the disease. Based on the score and internal cut-off values, a variant classified as benign is not then subjected to further curation. The score for this variant resulted in a classification of benign for this disease.

GeneDx
Classification: Benign. Last evaluated: 2015-03-03. Review status: criteria provided, single submitter. Criteria: GeneDx Variant Classification Process June 2021. Collection method: clinical testing. Allele origin: germline. Affected: yes.

PreventionGenetics, part of Exact Sciences
Classification: Benign. Last evaluated: 2012-08-30. Review status: criteria provided, single submitter. Criteria: ACMG Guidelines, 2015. Collection method: clinical testing. Allele origin: germline.

Breakthrough Genomics
Classification: Benign. Review status: criteria provided, single submitter. Criteria: ACMG Guidelines, 2015. Collection method: not provided. Allele origin: germline. Inheritance: Autosomal recessive inheritance. Affected: yes.

Diagnostic Laboratory, Department of Genetics, University Medical Center Groningen
Classification: Benign. Review status: no assertion criteria provided. Collection method: clinical testing. Allele origin: germline. Affected: yes. Study: VKGL Data-share Consensus. Not counted in ClinVar's aggregate classification.

Joint Genome Diagnostic Labs from Nijmegen and Maastricht, Radboudumc and MUMC+
Classification: Benign. Review status: no assertion criteria provided. Collection method: clinical testing. Allele origin: germline. Affected: yes. Study: VKGL Data-share Consensus. Not counted in ClinVar's aggregate classification.